The following is an entry in ClinVar:

NM_004527.4(MEOX1):c.65T>C (p.Leu22Pro)

Gene: MEOX1 (mesenchyme homeobox 1; minus strand). Cytogenetic location: 17q21.31.
Variant type: single nucleotide variant.
Coding change: c.65T>C on transcript NM_004527.4 (MANE Select); coding-DNA position 65, T replaced by C.
Protein change: p.Leu22Pro; replaces leucine 22 with proline.
Molecular consequence: missense variant. On other transcripts: intron variant (1).
Genome position (GRCh38, 1-based): chr17:43,661,470, A>G on the plus strand (T>C on the coding strand, the complement: MEOX1 is on the minus strand). VCF-style: chr17-43661470-A-G. GRCh37 (hg19) VCF-style: chr17-41738838-A-G.
Other names: c.65T>C, p.Leu22Pro (NM_013999.4); c.-204-77T>C (NM_001040002.2); short protein forms L22P.
Identifiers: ClinVar variation 1958638 (VCV001958638.5), dbSNP rs775612025, ClinGen allele CA8592714.

ClinVar aggregate classification (germline): Uncertain significance (1 of 4 stars; one submission).

Allele frequency attached by ClinVar (database versions not stated): TOPMed below 0.00001; ExAC 0.00001; gnomAD 0.00001.
gnomAD v4.1: 1 of 1,609,076 alleles (0.000062%); highest among the groups gnomAD compares: Non-Finnish European, 0.000085%; no homozygotes.

Submission:

Labcorp Genetics (formerly Invitae), Labcorp
Classification: Uncertain significance. Last evaluated: 2022-05-12. Review status: criteria provided, single submitter. Criteria: Invitae Variant Classification Sherloc (09022015). Collection method: clinical testing. Allele origin: germline.
Comment: This sequence change replaces leucine, which is neutral and non-polar, with proline, which is neutral and non-polar, at codon 22 of the MEOX1 protein (p.Leu22Pro). This variant is not present in population databases (gnomAD no frequency). This variant has not been reported in the literature in individuals affected with MEOX1-related conditions. Algorithms developed to predict the effect of missense changes on protein structure and function (SIFT, PolyPhen-2, Align-GVGD) all suggest that this variant is likely to be disruptive. In summary, the available evidence is currently insufficient to determine the role of this variant in disease. Therefore, it has been classified as a Variant of Uncertain Significance.